The following is an entry in ClinVar:

NC_000023.10:g.(?_31462578)_(31676281_?)dup

Gene: DMD (dystrophin; minus strand). Cytogenetic location: Xp21.2-21.1.
Variant type: Duplication.
Identifiers: ClinVar variation 3243286 (VCV003243286.1).

ClinVar aggregate classification (germline): Pathogenic (1 of 4 stars; one submission).

Conditions:
Duchenne muscular dystrophy (DMD). Also called: MUSCULAR DYSTROPHY, PSEUDOHYPERTROPHIC PROGRESSIVE, DUCHENNE TYPE; Duchenne Muscular Dystrophy (DMD). Identifiers: Orphanet 98896, MedGen C0013264, MONDO:0010679, OMIM 310200.

Submission:

Labcorp Genetics (formerly Invitae), Labcorp
Classification: Pathogenic for Duchenne muscular dystrophy. Last evaluated: 2023-08-08. Review status: criteria provided, single submitter. Criteria: Invitae Variant Classification Sherloc (09022015). Collection method: clinical testing. Allele origin: unknown.
Comment: This variant results in a copy number gain of the genomic region encompassing exon(s) 54-60 of the DMD gene. While the exact position of this variant cannot be determined from the data, sub-genic copy number gains are generally in tandem (PMID: 25640679). This variant is predicted to be in-frame, and likely preserves the integrity of the reading frame. A similar copy number variant has been observed in individuals with DMD-related conditions (PMID: 10612827, 16770791, 25972034, 31705731). Experimental studies and prediction algorithms are not available or were not evaluated, and the functional significance of this variant is currently unknown. For these reasons, this variant has been classified as Pathogenic.

Literature cited by the submitters: PubMed 25640679; PubMed 10612827; PubMed 16770791; PubMed 25972034; PubMed 31705731.